The following is an entry in ClinVar:

NM_021930.6(RINT1):c.2192AAG[1] (p.Glu732del)

Genes: EFCAB10 (EF-hand calcium binding domain 10; minus strand), RINT1 (RAD50 interactor 1; plus strand). Cytogenetic location: 7q22.3.
Variant type: Microsatellite.
Coding change: c.2192AAG[1] on transcript NM_021930.6 (MANE Select); one copy of the 3-base unit AAG starting at c.2192; the reference has two copies in a row; one copy, 3 bases deleted.
Protein change: p.Glu732del; deletes glutamic acid 732.
Molecular consequence: inframe deletion. On other transcripts: 3 prime UTR variant (2), non-coding transcript variant (1), intron variant (3).
Genome position (GRCh38, 1-based): chr7:105,567,127-105,567,129, AAG deleted; deleting any 3 consecutive bases within chr7:105,567,124-105,567,129 gives the same sequence; the position shown is the placement nearest the transcript's 3' end. VCF-style (leftmost placement, unchanged base first): chr7-105567123-AAAG-A. GRCh37 (hg19) VCF-style: chr7-105207570-AAAG-A.
Other names: c.*325CTT[1] (NM_001355527.2, NM_001355529.2); c.1958AAG[1], p.Glu654del (NM_001346599.2); c.1169AAG[1], p.Glu391del (NM_001346600.2, NM_001346603.2); c.1268AAG[1], p.Glu424del (NM_001346601.2); c.360-1679_360-1677del (NM_001355531.2); c.383+341_383+343del (NM_001355526.2, NM_001355530.2); short protein forms E424del, E654del, E391del, E732del.
Identifiers: ClinVar variation 851359 (VCV000851359.9), dbSNP rs1791795781, ClinGen allele CA916082947.

ClinVar aggregate classification (germline): Uncertain significance (1 of 4 stars; one submission).

Submission:

Labcorp Genetics (formerly Invitae), Labcorp
Classification: Uncertain significance. Last evaluated: 2019-11-20. Review status: criteria provided, single submitter. Criteria: Invitae Variant Classification Sherloc (09022015). Collection method: clinical testing. Allele origin: germline.
Comment: In summary, the available evidence is currently insufficient to determine the role of this variant in disease. Therefore, it has been classified as a Variant of Uncertain Significance. Experimental studies and prediction algorithms are not available or were not evaluated, and the functional significance of this variant is currently unknown. This variant has not been reported in the literature in individuals with RINT1-related conditions. This variant is not present in population databases (ExAC no frequency). This variant, c.2195_2197del, results in the deletion of 1 amino acid(s) of the RINT1 protein (p.Glu732del), but otherwise preserves the integrity of the reading frame.